The following is an entry in ClinVar:

ClinVar aggregate classification (germline): Uncertain significance. Review status: criteria provided, single submitter (1 of 4 stars). 4 submissions from 4 submitters: Uncertain significance (1). 3 of the submissions do not count toward it. Last evaluated 2024-07-08.

Conditions:
Cerebral cavernous malformation 3. Also called: Familial Cerebral Cavernous Malformation 3. Identifiers: Orphanet 221061, MedGen C1864040, MONDO:0011305, OMIM 603285.

Allele frequency attached by ClinVar (database versions not stated): TOPMed 0.00003; ExAC 0.00004; gnomAD 0.00005 and 0.00006; gnomAD exomes 0.00005.
gnomAD v4.1: 69 of 1,604,186 alleles (0.0043%); highest among the groups gnomAD compares: South Asian, 0.0077%; 1 homozygote.

Submissions (4):

Labcorp Genetics (formerly Invitae), Labcorp
Classification: Uncertain significance for Cerebral cavernous malformation 3. Last evaluated: 2024-07-08. Review status: criteria provided, single submitter. Criteria: Invitae Variant Classification Sherloc (09022015). Collection method: clinical testing. Allele origin: germline.
Comment: This sequence change replaces arginine, which is basic and polar, with glutamine, which is neutral and polar, at codon 35 of the PDCD10 protein (p.Arg35Gln). This variant is present in population databases (rs201796692, gnomAD 0.01%). This variant has not been reported in the literature in individuals affected with PDCD10-related conditions. ClinVar contains an entry for this variant (Variation ID: 1284723). An algorithm developed to predict the effect of missense changes on protein structure and function (PolyPhen-2) suggests that this variant is likely to be tolerated. In summary, the available evidence is currently insufficient to determine the role of this variant in disease. Therefore, it has been classified as a Variant of Uncertain Significance.

Clinical Genetics DNA and cytogenetics Diagnostics Lab, Erasmus MC, Erasmus Medical Center
Classification: Benign. Review status: no assertion criteria provided. Collection method: clinical testing. Allele origin: germline. Affected: yes. Study: VKGL Data-share Consensus. Not counted in ClinVar's aggregate classification.

Clinical Genetics, Academic Medical Center
Classification: Likely benign. Review status: no assertion criteria provided. Collection method: clinical testing. Allele origin: germline. Affected: yes. Study: VKGL Data-share Consensus. Not counted in ClinVar's aggregate classification.

Diagnostic Laboratory, Department of Genetics, University Medical Center Groningen
Classification: Likely benign. Review status: no assertion criteria provided. Collection method: clinical testing. Allele origin: germline. Affected: yes. Study: VKGL Data-share Consensus. Not counted in ClinVar's aggregate classification.

NM_007217.4(PDCD10):c.104G>A (p.Arg35Gln)

Gene: PDCD10 (programmed cell death 10; minus strand). Cytogenetic location: 3q26.1.
Variant type: single nucleotide variant.
Coding change: c.104G>A on transcript NM_007217.4 (MANE Select); coding-DNA position 104, G replaced by A.
Protein change: p.Arg35Gln; replaces arginine 35 with glutamine.
Molecular consequence: missense variant.
Genome position (GRCh38, 1-based): chr3:167,704,888, C>T on the plus strand (G>A on the coding strand, the complement: PDCD10 is on the minus strand). VCF-style: chr3-167704888-C-T. GRCh37 (hg19) VCF-style: chr3-167422676-C-T.
Other names: c.104G>A, p.Arg35Gln (NM_145859.2, NM_145860.2); short protein forms R35Q.
Identifiers: ClinVar variation 1284723 (VCV001284723.6), dbSNP rs201796692, ClinGen allele CA2694668.